The following is an entry in ClinVar:

ClinVar aggregate classification (germline): Uncertain significance (1 of 4 stars; one submission).

Submission:

Labcorp Genetics (formerly Invitae), Labcorp
Classification: Uncertain significance. Last evaluated: 2025-06-23. Review status: criteria provided, single submitter. Criteria: Invitae Variant Classification Sherloc (09022015). Collection method: clinical testing. Allele origin: germline.
Comment: This sequence change replaces glycine, which is neutral and non-polar, with aspartic acid, which is acidic and polar, at codon 829 of the CACNA1F protein (p.Gly829Asp). This variant is not present in population databases (gnomAD no frequency). This variant has not been reported in the literature in individuals affected with CACNA1F-related conditions. Invitae Evidence Modeling of protein sequence and biophysical properties (such as structural, functional, and spatial information, amino acid conservation, physicochemical variation, residue mobility, and thermodynamic stability) indicates that this missense variant is not expected to disrupt CACNA1F protein function with a negative predictive value of 80%. In summary, the available evidence is currently insufficient to determine the role of this variant in disease. Therefore, it has been classified as a Variant of Uncertain Significance.

NM_001256789.3(CACNA1F):c.2453G>A (p.Gly818Asp)

Gene: CACNA1F (calcium voltage-gated channel subunit alpha1 F; minus strand). Cytogenetic location: Xp11.23.
Variant type: single nucleotide variant.
Coding change: c.2453G>A on transcript NM_001256789.3 (MANE Select); coding-DNA position 2453, G replaced by A.
Protein change: p.Gly818Asp; replaces glycine 818 with aspartic acid.
Molecular consequence: missense variant.
Genome position (GRCh38, 1-based): chrX:49,219,724, C>T on the plus strand (G>A on the coding strand, the complement: CACNA1F is on the minus strand). VCF-style: chrX-49219724-C-T. GRCh37 (hg19) VCF-style: chrX-49076183-C-T.
Other names: c.2291G>A, p.Gly764Asp (NM_001256790.3); c.2486G>A, p.Gly829Asp (NM_005183.4); short protein forms G764D, G818D, G829D.
Identifiers: ClinVar variation 4798495 (VCV004798495.1).
Genomic context (GRCh38, chrX:49,219,724, plus strand): 5'-CTGCCCTCAGGGATGGGTACCACCTTCTCCTTGGGTACAACTTCCTGCAGGAGTTCCACA[C>T]CCCCTGCACCCTCTTCCTCTTCTTCCTCTTCTTCCTCTTCTTCCTCCTCCTCCTCCTCCT-3'
Protein context (NP_001243718.1, residues 808-828): EEEEEEEGAG[Gly818Asp]VELLQEVVPK